The following is an entry in ClinVar:

ClinVar aggregate classification (germline): Uncertain significance (1 of 4 stars; one submission).

Submission:

GeneDx
Classification: Uncertain significance. Last evaluated: 2022-06-14. Review status: criteria provided, single submitter. Criteria: GeneDx Variant Classification Process June 2021. Collection method: clinical testing. Allele origin: germline. Affected: yes.
Comment: Not observed at significant frequency in large population cohorts (gnomAD); In silico analysis supports that this missense variant does not alter protein structure/function; Has not been previously published as pathogenic or benign to our knowledge

NM_000334.4(SCN4A):c.923G>A (p.Gly308Asp)

Gene: SCN4A (sodium voltage-gated channel alpha subunit 4; minus strand). Cytogenetic location: 17q23.3.
Variant type: single nucleotide variant.
Coding change: c.923G>A on transcript NM_000334.4 (MANE Select); coding-DNA position 923, G replaced by A.
Protein change: p.Gly308Asp; replaces glycine 308 with aspartic acid.
Molecular consequence: missense variant.
Genome position (GRCh38, 1-based): chr17:63,968,136, C>T on the plus strand (G>A on the coding strand, the complement: SCN4A is on the minus strand). VCF-style: chr17-63968136-C-T. GRCh37 (hg19) VCF-style: chr17-62045496-C-T.
Other names: short protein forms G308D.
Identifiers: ClinVar variation 1804371 (VCV001804371.1), dbSNP rs770828503, ClinGen allele CA400637403.